The following is an entry in ClinVar:

ClinVar aggregate classification (germline): Benign (1 of 4 stars; one submission).

Allele frequency attached by ClinVar (database versions not stated): 1000 Genomes Project 30x 0.68973; 1000 Genomes Project 0.69189; TOPMed 0.71886; gnomAD 0.72382 and 0.72776.
gnomAD v4.1: 109,661 of 151,688 alleles (72%); highest among the groups gnomAD compares: East Asian, 75%; 39,774 homozygotes.

Submission:

GeneDx
Classification: Benign. Last evaluated: 2018-06-14. Review status: criteria provided, single submitter. Criteria: GeneDx Variant Classification (06012015). Collection method: clinical testing. Allele origin: germline. Affected: yes.
Comment: This variant is considered likely benign or benign based on one or more of the following criteria: it is a conservative change, it occurs at a poorly conserved position in the protein, it is predicted to be benign by multiple in silico algorithms, and/or has population frequency not consistent with disease.

NM_147127.5(EVC2):c.1145+178T>A

Gene: EVC2 (EvC ciliary complex subunit 2; minus strand). Cytogenetic location: 4p16.2.
Variant type: single nucleotide variant.
Coding change: c.1145+178T>A on transcript NM_147127.5 (MANE Select); 178 bases into the intron after coding-DNA position 1145, T replaced by A.
Molecular consequence: intron variant.
Genome position (GRCh38, 1-based): chr4:5,662,929, A>T on the plus strand (T>A on the coding strand, the complement: EVC2 is on the minus strand). VCF-style: chr4-5662929-A-T. GRCh37 (hg19) VCF-style: chr4-5664656-A-T.
Other names: c.905+178T>A (NM_001166136.2).
Identifiers: ClinVar variation 667871 (VCV000667871.1), dbSNP rs13125075, ClinGen allele CA15326594.